The following is an entry in ClinVar:

NM_000888.5(ITGB6):c.192C>T (p.Asn64=)

Gene: ITGB6 (integrin subunit beta 6; minus strand). Cytogenetic location: 2q24.2.
Variant type: single nucleotide variant.
Coding change: c.192C>T on transcript NM_000888.5 (MANE Select); coding-DNA position 192, C replaced by T.
Protein change: p.Asn64=; no amino-acid change (asparagine 64 retained).
Molecular consequence: synonymous variant. On other transcripts: intron variant (3).
Genome position (GRCh38, 1-based): chr2:160,196,370, G>A on the plus strand (C>T on the coding strand, the complement: ITGB6 is on the minus strand). VCF-style: chr2-160196370-G-A. GRCh37 (hg19) VCF-style: chr2-161052881-G-A.
Other names: c.192C>T, p.Asn64= (NM_001282353.2, NM_001282355.2); c.66C>T, p.Asn22= (NM_001282388.2); c.62-755C>T (NM_001282354.2); c.-69+19C>T (NM_001282390.2); c.127+19C>T (NM_001282389.2).
Identifiers: ClinVar variation 718066 (VCV000718066.43), dbSNP rs139380804, ClinGen allele CA1929580.

ClinVar aggregate classification (germline): Likely benign. Review status: criteria provided, multiple submitters, no conflicts (2 of 4 stars). 3 submissions from 3 submitters: Likely benign (3). Last evaluated 2022-08-01.

Allele frequency attached by ClinVar (database versions not stated): 1000 Genomes Project 30x 0.00031; 1000 Genomes Project 0.00040; gnomAD 0.00051; ESP Exome Variant Server 0.00054; TOPMed 0.00088.

Submissions (3):

CeGaT Center for Human Genetics Tuebingen
Classification: Likely benign. Last evaluated: 2022-08-01. Review status: criteria provided, single submitter. Criteria: CeGaT Center For Human Genetics Tuebingen Variant Classification Criteria Version 2. Collection method: clinical testing. Allele origin: germline. Affected: yes. Observed: 3 variant alleles.
Comment: ITGB6: BP4, BP7

Labcorp Genetics (formerly Invitae), Labcorp
Classification: Likely benign. Last evaluated: 2019-12-31. Review status: criteria provided, single submitter. Criteria: Invitae Variant Classification Sherloc (09022015). Collection method: clinical testing. Allele origin: germline.

Breakthrough Genomics
Classification: Likely benign. Review status: criteria provided, single submitter. Criteria: ACMG Guidelines, 2015. Collection method: not provided. Allele origin: germline. Inheritance: Autosomal recessive inheritance. Affected: yes.